The following is an entry in ClinVar:

NM_000785.4(CYP27B1):c.*415G>A

Gene: CYP27B1 (cytochrome P450 family 27 subfamily B member 1; minus strand). Cytogenetic location: 12q14.1.
Variant type: single nucleotide variant.
Coding change: c.*415G>A on transcript NM_000785.4 (MANE Select); 415 bases downstream of the stop codon, G replaced by A.
Molecular consequence: 3 prime UTR variant.
Genome position (GRCh38, 1-based): chr12:57,762,727, C>T on the plus strand (G>A on the coding strand, the complement: CYP27B1 is on the minus strand). VCF-style: chr12-57762727-C-T. GRCh37 (hg19) VCF-style: chr12-58156510-C-T.
Identifiers: ClinVar variation 884177 (VCV000884177.4), dbSNP rs8176351, ClinGen allele CA237813143.

ClinVar aggregate classification (germline): Likely benign (1 of 4 stars; one submission).

Conditions:
Vitamin D-dependent rickets, type 1 (VDD1). Also called: VITAMIN D DEPENDENCY, TYPE 1. Identifiers: Orphanet 289157, MedGen C0268689, MONDO:0009924.

Allele frequency attached by ClinVar (database versions not stated): 1000 Genomes Project 0.01478; gnomAD 0.01487; 1000 Genomes Project 30x 0.01530; TOPMed 0.01591.
gnomAD v4.1: 2,480 of 273,230 alleles (0.91%); highest among the groups gnomAD compares: African/African-American, 4.5%; 59 homozygotes.

Submission:

Illumina Laboratory Services, Illumina
Classification: Likely benign for Vitamin D-dependent rickets, type 1A. Last evaluated: 2017-04-27. Review status: criteria provided, single submitter. Criteria: ICSL Variant Classification Criteria 13 December 2019. Collection method: clinical testing. Allele origin: germline.
Comment: This variant was observed as part of a predisposition screen in an ostensibly healthy population. A literature search was performed for the gene, cDNA change, and amino acid change (where applicable). No publications were found based on this search. Allele frequency data from public databases allowed determination this variant is unlikely to cause disease. Therefore, this variant is classified as likely benign.